The following is an entry in ClinVar:

ClinVar aggregate classification (germline): Conflicting classifications of pathogenicity. Review status: criteria provided, conflicting classifications (1 of 4 stars). 3 submissions from 3 submitters: Uncertain significance (1); Likely benign (2). Last evaluated 2025-07-07.

Conditions:
Hereditary cancer-predisposing syndrome. Also called: Tumor predisposition; Neoplastic Syndromes, Hereditary; Hereditary Cancer Syndrome; Hereditary neoplastic syndrome. Identifiers: Orphanet 140162, MedGen C0027672, MeSH D009386, MONDO:0015356.
Ataxia-telangiectasia syndrome (AT). Also called: Ataxia-telangiectasia; Ataxia-telangiectasia, complementation group D; AT, COMPLEMENTATION GROUP C; LOUIS-BAR SYNDROME; Cerebello-oculocutaneous telangiectasia; Immunodeficiency with ataxia telangiectasia. Identifiers: Orphanet 100, MedGen C0004135, MONDO:0008840, OMIM 208900.

Allele frequency attached by ClinVar (database versions not stated): TOPMed below 0.00001.

Submissions (3):

Ambry Genetics
Classification: Uncertain significance for Hereditary cancer-predisposing syndrome. Last evaluated: 2025-07-07. Review status: criteria provided, single submitter. Criteria: Ambry Variant Classification Scheme 2023. Collection method: clinical testing. Allele origin: germline.
Comment: The c.3403-8_3403-4delTTTTT intronic variant is located upstream from coding exon 23 in the ATM gene. This variant results from a deletion of 5 nucleotides at positions c.3403-8 to c.3403-4. These nucleotide positions are generally well conserved in available vertebrate species. In silico splice site analysis predicts that this alteration will not have any significant effect on splicing; however, direct evidence is insufficient at this time (Ambry internal data). Since supporting evidence is limited at this time, the clinical significance of this alteration remains unclear.

Labcorp Genetics (formerly Invitae), Labcorp
Classification: Likely benign for Ataxia-telangiectasia syndrome. Last evaluated: 2024-05-12. Review status: criteria provided, single submitter. Criteria: Invitae Variant Classification Sherloc (09022015). Collection method: clinical testing. Allele origin: germline.

Color Diagnostics, LLC DBA Color Health
Classification: Likely benign for Hereditary cancer-predisposing syndrome. Last evaluated: 2017-03-16. Review status: criteria provided, single submitter. Criteria: ACMG Guidelines, 2015. Collection method: clinical testing. Allele origin: germline.

NM_000051.4(ATM):c.3403-8_3403-4del

Gene: ATM (ATM serine/threonine kinase; plus strand). Cytogenetic location: 11q22.3.
Variant type: Deletion.
Coding change: c.3403-8_3403-4del on transcript NM_000051.4 (MANE Select); 8 bases into the intron before coding-DNA position 3403 through 4 bases into the intron before coding-DNA position 3403, 5 bases deleted (TTTTT; older notation c.3403-8_3403-4delTTTTT).
Molecular consequence: intron variant.
Genome position (GRCh38, 1-based): chr11:108,280,987-108,280,991, TTTTT deleted. VCF-style (leftmost placement, unchanged base first): chr11-108280986-CTTTTT-C. GRCh37 (hg19) VCF-style: chr11-108151713-CTTTTT-C.
Other names: c.3403-8_3403-4delTTTTT (NM_000051.3); c.3403-8_3403-4del (NM_001351834.2).
Identifiers: ClinVar variation 490534 (VCV000490534.16), dbSNP rs1555091114, ClinGen allele CA658683107.